The following is an entry in ClinVar:

ClinVar aggregate classification (germline): Uncertain significance (1 of 4 stars; one submission).

Conditions:
Hereditary cancer-predisposing syndrome. Also called: Hereditary neoplastic syndrome; Hereditary Cancer Syndrome; Neoplastic Syndromes, Hereditary; Tumor predisposition. Identifiers: Orphanet 140162, MedGen C0027672, MeSH D009386, MONDO:0015356.

Submission:

Color Diagnostics, LLC DBA Color Health
Classification: Uncertain significance for Hereditary cancer-predisposing syndrome. Last evaluated: 2024-03-07. Review status: criteria provided, single submitter. Criteria: ACMG Guidelines, 2015. Collection method: clinical testing. Allele origin: germline.
Comment: This missense variant replaces asparagine with tyrosine at codon 455 of the PALB2 protein. Computational prediction suggests that this variant may not impact protein structure and function (internally defined REVEL score threshold <= 0.5, PMID: 27666373). To our knowledge, functional studies have not been reported for this variant. This variant has not been reported in individuals affected with hereditary cancer in the literature. This variant has not been identified in the general population by the Genome Aggregation Database (gnomAD). The available evidence is insufficient to determine the role of this variant in disease conclusively. Therefore, this variant is classified as a Variant of Uncertain Significance.

NM_024675.4(PALB2):c.1363A>T (p.Asn455Tyr)

Gene: PALB2 (partner and localizer of BRCA2; minus strand). Cytogenetic location: 16p12.2.
Variant type: single nucleotide variant.
Coding change: c.1363A>T on transcript NM_024675.4 (MANE Select); coding-DNA position 1363, A replaced by T.
Protein change: p.Asn455Tyr; replaces asparagine 455 with tyrosine.
Molecular consequence: missense variant. On other transcripts: intron variant (3).
Genome position (GRCh38, 1-based): chr16:23,635,183, T>A on the plus strand (A>T on the coding strand, the complement: PALB2 is on the minus strand). VCF-style: chr16-23635183-T-A. GRCh37 (hg19) VCF-style: chr16-23646504-T-A.
Other names: c.1303A>T, p.Asn435Tyr (NM_001407296.1); c.1363A>T, p.Asn455Tyr (NM_001407297.1, NM_001407298.1, NM_001407299.1 and 3 more transcripts); c.478A>T, p.Asn160Tyr (NM_001407304.1, NM_001407305.1, NM_001407306.1 and 5 more transcripts); c.49-5908A>T (NM_001407314.1); c.-104-4714A>T (NM_001407313.1, NM_001407312.1); short protein forms N160Y, N435Y, N455Y.
Identifiers: ClinVar variation 2774012 (VCV002774012.2), dbSNP rs2506480193, ClinGen allele CA395131477.